The following is an entry in ClinVar:

ClinVar aggregate classification (germline): Uncertain significance (1 of 4 stars; one submission).

Conditions:
Inborn genetic diseases. Identifiers: MedGen C0950123, MeSH D030342.

Submission:

Ambry Genetics
Classification: Uncertain significance for Inborn genetic diseases. Last evaluated: 2025-05-19. Review status: criteria provided, single submitter. Criteria: Ambry Variant Classification Scheme 2023. Collection method: clinical testing. Allele origin: germline.
Comment: The p.K317Q variant (also known as c.949A>C), located in coding exon 10 of the RTEL1 gene, results from an A to C substitution at nucleotide position 949. The lysine at codon 317 is replaced by glutamine, an amino acid with similar properties. This amino acid position is conserved. In addition, the in silico prediction for this alteration is inconclusive. Based on the available evidence, the clinical significance of this variant remains unclear.

NM_001283009.2(RTEL1):c.949A>C (p.Lys317Gln)

Genes: RTEL1 (regulator of telomere elongation helicase 1; plus strand), RTEL1-TNFRSF6B (RTEL1-TNFRSF6B readthrough (NMD candidate); plus strand). Cytogenetic location: 20q13.33.
Variant type: single nucleotide variant.
Coding change: c.949A>C on transcript NM_001283009.2 (MANE Select); coding-DNA position 949, A replaced by C.
Protein change: p.Lys317Gln; replaces lysine 317 with glutamine.
Molecular consequence: missense variant. On other transcripts: non-coding transcript variant (1).
Genome position (GRCh38, 1-based): chr20:63,678,174, A>C. VCF-style: chr20-63678174-A-C. GRCh37 (hg19) VCF-style: chr20-62309527-A-C.
Other names: c.280A>C, p.Lys94Gln (NM_001283010.1); c.949A>C, p.Lys317Gln (NM_016434.4); c.1021A>C, p.Lys341Gln (NM_032957.5); short protein forms K317Q, K94Q, K341Q.
Identifiers: ClinVar variation 3948407 (VCV003948407.1).
Genomic context (GRCh38, chr20:63,678,174, plus strand): 5'-AGACTGCCTTTGCTGCCTTTCTCTTGCCCAGGGCTGAACATGGAGCTGGAAGACATTGCA[A>C]AGCTGAAGAGTAAGTGTTGCCCTCCCCGCCTCCTTGCAGCTGGGTGGGGCCTCCTCCTTG-3'
Protein context (NP_001269938.1, residues 307-327): GLNMELEDIA[Lys317Gln]LKMILLRLEG